The following is an entry in ClinVar:

ClinVar aggregate classification (germline): Pathogenic. Review status: criteria provided, multiple submitters, no conflicts (2 of 4 stars). 3 submissions from 3 submitters: Pathogenic (3). Last evaluated 2026-08-27.

Conditions:
Hereditary cancer-predisposing syndrome. Also called: Hereditary neoplastic syndrome; Neoplastic Syndromes, Hereditary; Tumor predisposition; Hereditary Cancer Syndrome. Identifiers: Orphanet 140162, MedGen C0027672, MeSH D009386, MONDO:0015356.
Bloom syndrome (BLM). Also called: Bloom-Torre-Machacek syndrome. Identifiers: Orphanet 125, MedGen C0005859, MONDO:0008876, OMIM 210900.

gnomAD v4.1: 2 of 1,613,838 alleles (0.00012%); highest among the groups gnomAD compares: African/African-American, 0.0027%; no homozygotes.

Submissions (3):

Myriad Genetics, Inc.
Classification: Pathogenic for Bloom syndrome. Last evaluated: 2026-08-27. Review status: criteria provided, single submitter. Criteria: Myriad Autosomal Dominant, Autosomal Recessive and X-Linked Classification Criteria (2023). Collection method: clinical testing. Allele origin: unknown.
Comment: This variant is considered pathogenic. This variant creates a termination codon and is predicted to result in premature protein truncation.

Labcorp Genetics (formerly Invitae), Labcorp
Classification: Pathogenic for Bloom syndrome. Last evaluated: 2023-03-27. Review status: criteria provided, single submitter. Criteria: Invitae Variant Classification Sherloc (09022015). Collection method: clinical testing. Allele origin: germline.
Comment: For these reasons, this variant has been classified as Pathogenic. ClinVar contains an entry for this variant (Variation ID: 1769086). This variant has not been reported in the literature in individuals affected with BLM-related conditions. This variant is not present in population databases (gnomAD no frequency). This sequence change creates a premature translational stop signal (p.Tyr430*) in the BLM gene. It is expected to result in an absent or disrupted protein product. Loss-of-function variants in BLM are known to be pathogenic (PMID: 17407155).

Ambry Genetics
Classification: Pathogenic for Hereditary cancer-predisposing syndrome. Last evaluated: 2022-07-20. Review status: criteria provided, single submitter. Criteria: Ambry Variant Classification Scheme 2023. Collection method: clinical testing. Allele origin: germline.
Comment: The p.Y430* pathogenic mutation (also known as c.1290C>A), located in coding exon 6 of the BLM gene, results from a C to A substitution at nucleotide position 1290. This changes the amino acid from a tyrosine to a stop codon within coding exon 6. This variant is considered to be rare based on population cohorts in the Genome Aggregation Database (gnomAD). This alteration is expected to result in loss of function by premature protein truncation or nonsense-mediated mRNA decay. As such, this alteration is interpreted as a disease-causing mutation.

Literature cited by the submitters: PubMed 17407155 (cited by Labcorp Genetics (formerly Invitae), Labcorp).

NM_000057.4(BLM):c.1290C>A (p.Tyr430Ter)

Gene: BLM (BLM RecQ like helicase; plus strand). Cytogenetic location: 15q26.1.
Variant type: single nucleotide variant.
Coding change: c.1290C>A on transcript NM_000057.4 (MANE Select); coding-DNA position 1290, C replaced by A.
Protein change: p.Tyr430Ter; replaces tyrosine 430 with a stop codon.
Molecular consequence: nonsense.
Genome position (GRCh38, 1-based): chr15:90,760,663, C>A. VCF-style: chr15-90760663-C-A. GRCh37 (hg19) VCF-style: chr15-91303893-C-A.
Other names: c.1290C>A, p.Tyr430Ter (NM_001287246.2, NM_001287247.2); c.165C>A, p.Tyr55Ter (NM_001287248.2); short protein forms Y55*, Y430*.
Identifiers: ClinVar variation 1769086 (VCV001769086.6), dbSNP rs766861351, ClinGen allele CA393842740.